The following is an entry in ClinVar:

ClinVar aggregate classification (germline): Uncertain significance (1 of 4 stars; one submission).

Allele frequency attached by ClinVar (database versions not stated): ExAC 0.00001.
gnomAD v4.1: 2 of 1,613,738 alleles (0.00012%); highest among the groups gnomAD compares: Admixed American, 0.0033%; no homozygotes.

Submission:

Labcorp Genetics (formerly Invitae), Labcorp
Classification: Uncertain significance. Last evaluated: 2024-07-22. Review status: criteria provided, single submitter. Criteria: Invitae Variant Classification Sherloc (09022015). Collection method: clinical testing. Allele origin: germline.
Comment: This sequence change replaces leucine, which is neutral and non-polar, with histidine, which is basic and polar, at codon 4145 of the PCLO protein (p.Leu4145His). This variant is present in population databases (rs769033054, gnomAD 0.003%). This variant has not been reported in the literature in individuals affected with PCLO-related conditions. Experimental studies and prediction algorithms are not available or were not evaluated, and the functional significance of this variant is currently unknown. In summary, the available evidence is currently insufficient to determine the role of this variant in disease. Therefore, it has been classified as a Variant of Uncertain Significance.

NM_033026.6(PCLO):c.12434T>A (p.Leu4145His)

Gene: PCLO (piccolo presynaptic cytomatrix protein; minus strand). Cytogenetic location: 7q21.11.
Variant type: single nucleotide variant.
Coding change: c.12434T>A on transcript NM_033026.6 (MANE Select); coding-DNA position 12434, T replaced by A.
Protein change: p.Leu4145His; replaces leucine 4145 with histidine.
Molecular consequence: missense variant.
Genome position (GRCh38, 1-based): chr7:82,915,552, A>T on the plus strand (T>A on the coding strand, the complement: PCLO is on the minus strand). VCF-style: chr7-82915552-A-T. GRCh37 (hg19) VCF-style: chr7-82544868-A-T.
Other names: c.12434T>A, p.Leu4145His (NM_014510.3); short protein forms L4145H.
Identifiers: ClinVar variation 2835061 (VCV002835061.3), dbSNP rs769033054, ClinGen allele CA4319370.
Genomic context (GRCh38, chr7:82,915,552, plus strand): 5'-CTATACTTCTCAGATTTTGGAAAATGTCTGTAGCTAGTATCAGCATGGTAATAATGAGAA[A>T]GACCAGCAAGGTGATCTAAGCTCTCTGTCCCTCTACGAAATTCCTGTTTAATCTGATGTT-3'
Protein context (NP_149015.2, residues 4135-4155): GTESLDHLAG[Leu4145His]SHYYHADTSY